The following is an entry in ClinVar:

NM_005902.4(SMAD3):c.371C>T (p.Pro124Leu)

Gene: SMAD3 (SMAD family member 3; plus strand). Cytogenetic location: 15q22.33.
Variant type: single nucleotide variant.
Coding change: c.371C>T on transcript NM_005902.4 (MANE Select); coding-DNA position 371, C replaced by T.
Protein change: p.Pro124Leu; replaces proline 124 with leucine.
Molecular consequence: missense variant.
Genome position (GRCh38, 1-based): chr15:67,165,059, C>T. VCF-style: chr15-67165059-C-T. GRCh37 (hg19) VCF-style: chr15-67457397-C-T.
Other names: c.56C>T, p.Pro19Leu (NM_001145102.2); c.239C>T, p.Pro80Leu (NM_001145103.2); short protein forms P124L, P80L, P19L.
Identifiers: ClinVar variation 264116 (VCV000264116.14), dbSNP rs886039050, ClinGen allele CA10587875.

ClinVar aggregate classification (germline): Conflicting classifications of pathogenicity. Review status: criteria provided, conflicting classifications (1 of 4 stars). 2 submissions from 2 submitters: Likely pathogenic (1); Uncertain significance (1). Last evaluated 2023-03-23.

Conditions:
Familial thoracic aortic aneurysm and aortic dissection (TAAD). Also called: Thoracic aortic aneurysms and dissections. Identifiers: Orphanet 91387, MedGen C4707243, MONDO:0019625.

Submissions (2):

Labcorp Genetics (formerly Invitae), Labcorp
Classification: Likely pathogenic for Familial thoracic aortic aneurysm and aortic dissection. Last evaluated: 2023-03-23. Review status: criteria provided, single submitter. Criteria: Invitae Variant Classification Sherloc (09022015). Collection method: clinical testing. Allele origin: germline.
Comment: This sequence change replaces proline, which is neutral and non-polar, with leucine, which is neutral and non-polar, at codon 124 of the SMAD3 protein (p.Pro124Leu). This variant is not present in population databases (gnomAD no frequency). This missense change has been observed in individual(s) with SMAD3-related disease (Invitae). It has also been observed to segregate with disease in related individuals. ClinVar contains an entry for this variant (Variation ID: 264116). Advanced modeling performed at Invitae incorporating data from internal and/or published experimental studies (Invitae) indicates that this missense variant is expected to disrupt SMAD3 function. This variant disrupts the p.Pro124 amino acid residue in SMAD3. Other variant(s) that disrupt this residue have been observed in individuals with SMAD3-related conditions (PMID: 27986426), which suggests that this may be a clinically significant amino acid residue. In summary, the currently available evidence indicates that the variant is pathogenic, but additional data are needed to prove that conclusively. Therefore, this variant has been classified as Likely Pathogenic.

Ambry Genetics
Classification: Uncertain significance for Familial thoracic aortic aneurysm and aortic dissection. Last evaluated: 2016-03-30. Review status: criteria provided, single submitter. Criteria: Ambry Variant Classification Scheme 2023. Collection method: clinical testing. Allele origin: germline.
Comment: The p.P124L variant (also known as c.371C>T), located in coding exon 2 of the SMAD3 gene, results from a C to T substitution at nucleotide position 371. The proline at codon 124 is replaced by leucine, an amino acid with some similar properties. This variant was not reported in population based cohorts in the following databases: Database of Single Nucleotide Polymorphisms (dbSNP), NHLBI Exome Sequencing Project (ESP), and 1000 Genomes Project. In the ESP, this variant was not observed in 6500 samples (13000 alleles) with coverage at this position. This amino acid position is highly conserved in available vertebrate species. In addition, this alteration is predicted to be deleterious by in silico analysis. Since supporting evidence is limited at this time, the clinical significance of this variant remains unclear.

Literature cited by the submitters: PubMed 27986426 (cited by Labcorp Genetics (formerly Invitae), Labcorp).